The following is an entry in ClinVar:

NM_024757.5(EHMT1):c.500C>A (p.Ala167Asp)

Gene: EHMT1 (euchromatic histone lysine methyltransferase 1; plus strand). Cytogenetic location: 9q34.3.
Variant type: single nucleotide variant.
Coding change: c.500C>A on transcript NM_024757.5 (MANE Select); coding-DNA position 500, C replaced by A.
Protein change: p.Ala167Asp; replaces alanine 167 with aspartic acid.
Molecular consequence: missense variant.
Genome position (GRCh38, 1-based): chr9:137,717,040, C>A. VCF-style: chr9-137717040-C-A. GRCh37 (hg19) VCF-style: chr9-140611492-C-A.
Other names: c.500C>A, p.Ala167Asp (NM_001145527.2, NM_001354263.2, NM_001354611.2); c.407C>A, p.Ala136Asp (NM_001354259.2, NM_001354612.2); short protein forms A167D, A136D.
Identifiers: ClinVar variation 660630 (VCV000660630.13), dbSNP rs760239482, ClinGen allele CA5374324.

ClinVar aggregate classification (germline): Uncertain significance. Review status: criteria provided, multiple submitters, no conflicts (2 of 4 stars). 2 submissions from 2 submitters: Uncertain significance (2). Last evaluated 2024-05-15.

Conditions:
Kleefstra syndrome 1 (KLEFS1). Identifiers: Orphanet 261494, MedGen C0795833, MONDO:0027407, OMIM 610253.
Inborn genetic diseases. Identifiers: MedGen C0950123, MeSH D030342.

Allele frequency attached by ClinVar (database versions not stated): ExAC 0.00001; gnomAD 0.00001; gnomAD exomes below 0.00001; TOPMed 0.00001.
gnomAD v4.1: 4 of 1,607,096 alleles (0.00025%); highest among the groups gnomAD compares: Non-Finnish European, 0.00034%; no homozygotes.

Submissions (2):

Labcorp Genetics (formerly Invitae), Labcorp
Classification: Uncertain significance for Kleefstra syndrome 1. Last evaluated: 2024-05-15. Review status: criteria provided, single submitter. Criteria: Invitae Variant Classification Sherloc (09022015). Collection method: clinical testing. Allele origin: germline.
Comment: This sequence change replaces alanine, which is neutral and non-polar, with aspartic acid, which is acidic and polar, at codon 167 of the EHMT1 protein (p.Ala167Asp). This variant is present in population databases (rs760239482, gnomAD 0.0009%). This variant has not been reported in the literature in individuals affected with EHMT1-related conditions. ClinVar contains an entry for this variant (Variation ID: 660630). An algorithm developed to predict the effect of missense changes on protein structure and function (PolyPhen-2) suggests that this variant is likely to be tolerated. In summary, the available evidence is currently insufficient to determine the role of this variant in disease. Therefore, it has been classified as a Variant of Uncertain Significance.

Ambry Genetics
Classification: Uncertain significance for Inborn genetic diseases. Last evaluated: 2023-07-26. Review status: criteria provided, single submitter. Criteria: Ambry Variant Classification Scheme 2023. Collection method: clinical testing. Allele origin: germline.